The following is an entry in ClinVar:

ClinVar aggregate classification (germline): Uncertain significance (1 of 4 stars; one submission).

Conditions:
RASopathy. Also called: Noonan spectrum disorder; rasopathies. Identifiers: Orphanet 536391, MedGen C5555857, MONDO:0021060.

gnomAD v4.1: 1 of 1,614,040 alleles (0.000062%); highest among the groups gnomAD compares: Non-Finnish European, 0.000085%; no homozygotes.

Submission:

Labcorp Genetics (formerly Invitae), Labcorp
Classification: Uncertain significance for RASopathy. Last evaluated: 2025-08-25. Review status: criteria provided, single submitter. Criteria: Invitae Variant Classification Sherloc (09022015). Collection method: clinical testing. Allele origin: germline.
Comment: This sequence change replaces proline, which is neutral and non-polar, with alanine, which is neutral and non-polar, at codon 77 of the SHOC2 protein (p.Pro77Ala). This variant is not present in population databases (gnomAD no frequency). This variant has not been reported in the literature in individuals affected with SHOC2-related conditions. Invitae Evidence Modeling of protein sequence and biophysical properties (such as structural, functional, and spatial information, amino acid conservation, physicochemical variation, residue mobility, and thermodynamic stability) indicates that this missense variant is not expected to disrupt SHOC2 protein function with a negative predictive value of 80%. In summary, the available evidence is currently insufficient to determine the role of this variant in disease. Therefore, it has been classified as a Variant of Uncertain Significance.

NM_007373.4(SHOC2):c.229C>G (p.Pro77Ala)

Gene: SHOC2 (SHOC2 leucine rich repeat scaffold protein; plus strand). Cytogenetic location: 10q25.2.
Variant type: single nucleotide variant.
Coding change: c.229C>G on transcript NM_007373.4 (MANE Select); coding-DNA position 229, C replaced by G.
Protein change: p.Pro77Ala; replaces proline 77 with alanine.
Molecular consequence: missense variant. On other transcripts: 5 prime UTR variant (1), non-coding transcript variant (1), intron variant (3).
Genome position (GRCh38, 1-based): chr10:110,964,587, C>G. VCF-style: chr10-110964587-C-G. GRCh37 (hg19) VCF-style: chr10-112724345-C-G.
Other names: c.229C>G, p.Pro77Ala (NM_001269039.3, NM_001324336.2, NM_001324337.2 and 4 more transcripts); c.-558C>G (NM_001441188.1); c.-380-21041C>G (NM_001441190.1); c.-249-21041C>G (NM_001441191.1); c.-242-35828C>G (NM_001441189.1); short protein forms P77A.
Identifiers: ClinVar variation 4740838 (VCV004740838.1).